The following is an entry in ClinVar:

NM_005633.4(SOS1):c.2801T>G (p.Leu934Arg)

Gene: SOS1 (SOS Ras/Rac guanine nucleotide exchange factor 1; minus strand). Cytogenetic location: 2p22.1.
Variant type: single nucleotide variant.
Coding change: c.2801T>G on transcript NM_005633.4 (MANE Select); coding-DNA position 2801, T replaced by G.
Protein change: p.Leu934Arg; replaces leucine 934 with arginine.
Molecular consequence: missense variant.
Genome position (GRCh38, 1-based): chr2:38,997,416, A>C on the plus strand (T>G on the coding strand, the complement: SOS1 is on the minus strand). VCF-style: chr2-38997416-A-C. GRCh37 (hg19) VCF-style: chr2-39224557-A-C.
Other names: c.2780T>G, p.Leu927Arg (NM_001382394.1); c.2801T>G, p.Leu934Arg (NM_001382395.1); short protein forms L934R, L927R.
Identifiers: ClinVar variation 3654253 (VCV003654253.2).

ClinVar aggregate classification (germline): Uncertain significance (1 of 4 stars; one submission).

Conditions:
RASopathy. Also called: rasopathies; Noonan spectrum disorder. Identifiers: Orphanet 536391, MedGen C5555857, MONDO:0021060.

Submission:

Labcorp Genetics (formerly Invitae), Labcorp
Classification: Uncertain significance for RASopathy. Last evaluated: 2024-07-03. Review status: criteria provided, single submitter. Criteria: Invitae Variant Classification Sherloc (09022015). Collection method: clinical testing. Allele origin: germline.
Comment: This sequence change replaces leucine, which is neutral and non-polar, with arginine, which is basic and polar, at codon 934 of the SOS1 protein (p.Leu934Arg). This variant is not present in population databases (gnomAD no frequency). This variant has not been reported in the literature in individuals affected with SOS1-related conditions. Advanced modeling of protein sequence and biophysical properties (such as structural, functional, and spatial information, amino acid conservation, physicochemical variation, residue mobility, and thermodynamic stability) performed at Invitae indicates that this missense variant is expected to disrupt SOS1 protein function with a positive predictive value of 95%. In summary, the available evidence is currently insufficient to determine the role of this variant in disease. Therefore, it has been classified as a Variant of Uncertain Significance.